The following is an entry in ClinVar:

ClinVar aggregate classification (germline): Pathogenic/Likely pathogenic. Review status: criteria provided, multiple submitters, no conflicts (2 of 4 stars). 4 submissions from 4 submitters: Pathogenic (1); Likely pathogenic (2). 1 of the submissions does not count toward it. Last evaluated 2026-02-02.

Conditions:
Hyperprolinemia type 2 (HYRPRO2). Also called: Delta-1-pyrroline-5-carboxylate dehydrogenase deficiency; 1-PYRROLINE-5-CARBOXYLATE DEHYDROGENASE DEFICIENCY; Deficiency of pyrroline-5-carboxylate reductase. Identifiers: Orphanet 79101, MedGen C2931835, MONDO:0009401, OMIM 239510.

Allele frequency attached by ClinVar (database versions not stated): TOPMed 0.00009.
gnomAD v4.1: 185 of 1,613,838 alleles (0.011%); highest among the groups gnomAD compares: Middle Eastern, 0.049%; no homozygotes.

Submissions (4):

GeneDx
Classification: Likely pathogenic. Last evaluated: 2026-02-02. Review status: criteria provided, single submitter. Criteria: GeneDx Variant Classification Process June 2021. Collection method: clinical testing. Allele origin: germline.
Comment: Reported as a heterozygous variant in a patient with pilocytic astrocytoma and intellectual disability in the published literature; however, a second variant in ALDH4A1 gene was not reported (PMID: 26822237); Canonical splice site variant predicted to result in a null allele in a gene for which loss of function is a known mechanism of disease; This variant is associated with the following publications: (PMID: 26822237)

Labcorp Genetics (formerly Invitae), Labcorp
Classification: Likely pathogenic for Hyperprolinemia type 2. Last evaluated: 2025-03-25. Review status: criteria provided, single submitter. Criteria: Invitae Variant Classification Sherloc (09022015). Collection method: clinical testing. Allele origin: germline.
Comment: This sequence change affects a donor splice site in intron 8 of the ALDH4A1 gene. It is expected to disrupt RNA splicing. Variants that disrupt the donor or acceptor splice site typically lead to a loss of protein function (PMID: 16199547), and loss-of-function variants in ALDH4A1 are known to be pathogenic (PMID: 956388, 4369405, 9700195). This variant is present in population databases (rs78532707, gnomAD 0.01%). This variant has not been reported in the literature in individuals affected with ALDH4A1-related conditions. ClinVar contains an entry for this variant (Variation ID: 438800). Algorithms developed to predict the effect of sequence changes on RNA splicing suggest that this variant may disrupt the consensus splice site. In summary, the currently available evidence indicates that the variant is pathogenic, but additional data are needed to prove that conclusively. Therefore, this variant has been classified as Likely Pathogenic.

Fulgent Genetics
Classification: Pathogenic for Hyperprolinemia type 2. Last evaluated: 2024-05-19. Review status: criteria provided, single submitter. Criteria: ACMG Guidelines, 2015. Collection method: clinical testing. Allele origin: germline.

Donald Williams Parsons Laboratory, Baylor College of Medicine
Classification: Pathogenic for Hyperprolinemia type 2. Last evaluated: 2014-11-17. Review status: no assertion criteria provided. Collection method: research. Allele origin: maternal. Inheritance: Autosomal recessive inheritance. Observed: 1 variant allele, 1 heterozygote. Study: CSER-BASIC3. Not counted in ClinVar's aggregate classification.
Comment: This splice site variant is categorized as deleterious according to ACMG guidelines (PMID:18414213). It would be pathogenic in a recessive state; heterozygotes would be carriers for the condition.

Literature cited by the submitters: PubMed 16199547 (cited by Labcorp Genetics (formerly Invitae), Labcorp); PubMed 956388 (cited by Labcorp Genetics (formerly Invitae), Labcorp); PubMed 4369405 (cited by Labcorp Genetics (formerly Invitae), Labcorp); PubMed 9700195 (cited by Labcorp Genetics (formerly Invitae), Labcorp); PubMed 26822237 (cited by Donald Williams Parsons Laboratory, Baylor College of Medicine).

NM_003748.4(ALDH4A1):c.866+1G>A

Gene: ALDH4A1 (aldehyde dehydrogenase 4 family member A1; minus strand). Cytogenetic location: 1p36.13.
Variant type: single nucleotide variant.
Coding change: c.866+1G>A on transcript NM_003748.4 (MANE Select); the canonical splice donor site of the intron after coding-DNA position 866, G replaced by A.
Molecular consequence: splice donor variant.
Genome position (GRCh38, 1-based): chr1:18,881,699, C>T on the plus strand (G>A on the coding strand, the complement: ALDH4A1 is on the minus strand). VCF-style: chr1-18881699-C-T. GRCh37 (hg19) VCF-style: chr1-19208193-C-T.
Other names: c.866+1G>A (NM_001319218.2, NM_170726.3); c.686+1G>A (NM_001161504.2).
Identifiers: ClinVar variation 438800 (VCV000438800.17), dbSNP rs78532707, ClinGen allele CA647184.